The following is an entry in ClinVar:

ClinVar aggregate classification (germline): Uncertain significance. Review status: criteria provided, multiple submitters, no conflicts (2 of 4 stars). 3 submissions from 3 submitters: Uncertain significance (3). Last evaluated 2026-01-26.

Conditions:
Inborn genetic diseases. Identifiers: MedGen C0950123, MeSH D030342.

Submissions (3):

Ambry Genetics
Classification: Uncertain significance for Inborn genetic diseases. Last evaluated: 2026-01-26. Review status: criteria provided, single submitter. Criteria: Ambry Variant Classification Scheme 2023. Collection method: clinical testing. Allele origin: germline.

Labcorp Genetics (formerly Invitae), Labcorp
Classification: Uncertain significance. Last evaluated: 2025-04-27. Review status: criteria provided, single submitter. Criteria: Invitae Variant Classification Sherloc (09022015). Collection method: clinical testing. Allele origin: germline.
Comment: This sequence change replaces arginine, which is basic and polar, with glycine, which is neutral and non-polar, at codon 327 of the HOXD13 protein (p.Arg327Gly). This variant is not present in population databases (gnomAD no frequency). This variant has not been reported in the literature in individuals affected with HOXD13-related conditions. Invitae Evidence Modeling of protein sequence and biophysical properties (such as structural, functional, and spatial information, amino acid conservation, physicochemical variation, residue mobility, and thermodynamic stability) indicates that this missense variant is expected to disrupt HOXD13 protein function with a positive predictive value of 80%. In summary, the available evidence is currently insufficient to determine the role of this variant in disease. Therefore, it has been classified as a Variant of Uncertain Significance.

GeneDx
Classification: Uncertain significance. Last evaluated: 2025-03-26. Review status: criteria provided, single submitter. Criteria: GeneDx Variant Classification Process June 2021. Collection method: clinical testing. Allele origin: germline. Affected: yes.
Comment: Not observed at significant frequency in large population cohorts (gnomAD); In silico analysis supports that this missense variant has a deleterious effect on protein structure/function; Has not been previously published as pathogenic or benign to our knowledge

NM_000523.4(HOXD13):c.979C>G (p.Arg327Gly)

Gene: HOXD13 (homeobox D13; plus strand). Cytogenetic location: 2q31.1.
Variant type: single nucleotide variant.
Coding change: c.979C>G on transcript NM_000523.4 (MANE Select); coding-DNA position 979, C replaced by G.
Protein change: p.Arg327Gly; replaces arginine 327 with glycine.
Molecular consequence: missense variant.
Genome position (GRCh38, 1-based): chr2:176,094,677, C>G. VCF-style: chr2-176094677-C-G. GRCh37 (hg19) VCF-style: chr2-176959405-C-G.
Other names: short protein forms R327G.
Identifiers: ClinVar variation 4087926 (VCV004087926.3).